The following is an entry in ClinVar:

ClinVar aggregate classification (germline): Pathogenic (1 of 4 stars; one submission).

Submission:

GeneDx
Classification: Pathogenic. Last evaluated: 2016-07-14. Review status: criteria provided, single submitter. Criteria: GeneDx Variant Classification (06012015). Collection method: clinical testing. Allele origin: germline. Affected: yes.
Comment: The c.1989_1990delCA pathogenic variant in the PHEX gene has been reported previously in association with X-linked hypophosphatemic rickets (Gaucher et al., 2009). The deletion causes a frameshift starting with codon Aspartic acid 663, changes this amino acid to a Glutamic acid residue and creates a premature Stop codon at position 6 of the new reading frame, denoted p.Asp663GlufsX6. The c.1989_1990delCA variant was not observed in approximately 6,500 individuals of European and African American ancestry in the NHLBI Exome Sequencing Project, indicating it is not a common benign variant in these populations. This pathogenic variant is predicted to cause loss of normal protein function either through protein truncation or nonsense-mediated mRNA decay.

NM_000444.6(PHEX):c.1989_1990del (p.Asp663fs)

Genes: PHEX (phosphate regulating endopeptidase homolog X-linked; plus strand), PTCHD1-AS (PTCHD1 antisense RNA (head to head); minus strand). Cytogenetic location: Xp22.11.
Variant type: Deletion.
Coding change: c.1989_1990del on transcript NM_000444.6 (MANE Select); coding-DNA positions 1989 to 1990, 2 bases deleted (CA; older notation c.1989_1990delCA).
Protein change: p.Asp663fs; shifts the reading frame from aspartic acid 663.
Molecular consequence: frameshift variant. On other transcripts: non-coding transcript variant (1).
Genome position (GRCh38, 1-based): chrX:22,227,530-22,227,531, CA deleted; deleting any 2 consecutive bases within chrX:22,227,529-22,227,531 gives the same sequence; the c. name uses the placement nearest the transcript's 3' end. VCF-style (leftmost placement, unchanged base first): chrX-22227528-GAC-G. GRCh37 (hg19) VCF-style: chrX-22245645-GAC-G.
Other names: c.1989_1990del, p.Asp663fs (NM_001282754.2); short protein forms D663fs.
Identifiers: ClinVar variation 280084 (VCV000280084.2), dbSNP rs886041371, ClinGen allele CA10603653.
Genomic context (GRCh38, chrX:22,227,528, plus strand): 5'-ACCGTTGCAGAGACTCATCTCTTCTTCTTCTCTCACCAGGCTTACAGGAAATGGATAAAT[GAC>G]AGAAGGCAGGGACTTGAGGAGCCTCTTCTACCAGGCATCACATTCACCAACAACCAGCTC-3'